The following is an entry in ClinVar:

NM_001492.6(GDF1):c.776_801del (p.Leu259fs)

Genes: CERS1 (ceramide synthase 1; minus strand), GDF1 (growth differentiation factor 1; minus strand). Cytogenetic location: 19p13.11.
Variant type: Deletion.
Coding change: c.776_801del on transcript NM_001492.6 (MANE Select); coding-DNA positions 776 to 801, 26 bases deleted (TGGGCGGCGGCCCCGGGGGCGCTTGT).
Protein change: p.Leu259fs; shifts the reading frame from leucine 259.
Molecular consequence: frameshift variant. On other transcripts: 3 prime UTR variant (2).
Genome position (GRCh38, 1-based): chr19:18,868,915-18,868,940, ACAAGCGCCCCCGGGGCCGCCGCCCA deleted on the plus strand (TGGGCGGCGGCCCCGGGGGCGCTTGT on the coding strand, the reverse complement: GDF1 is on the minus strand); deleting any 26 consecutive bases within chr19:18,868,915-18,868,943 gives the same sequence; the c. name uses the placement nearest the transcript's 3' end. VCF-style (leftmost placement, unchanged base first): chr19-18868914-GACAAGCGCCCCCGGGGCCGCCGCCCA-G. GRCh37 (hg19) VCF-style: chr19-18979723-GACAAGCGCCCCCGGGGCCGCCGCCCA-G.
Other names: c.*1637_*1662del (NM_001387440.1); c.*1045_*1070del (NM_021267.5); c.776_801del, p.Leu259fs (NM_001387438.1); short protein forms L259fs.
Identifiers: ClinVar variation 418232 (VCV000418232.3), dbSNP rs1555702261, ClinGen allele CA16620816.

ClinVar aggregate classification (germline): Likely pathogenic. Review status: criteria provided, multiple submitters, no conflicts (2 of 4 stars). 2 submissions from 2 submitters: Likely pathogenic (2). Last evaluated 2022-10-06.

Conditions:
Right atrial isomerism (RAI). Also called: IVEMARK SYNDROME. Identifiers: Orphanet 97548, MedGen C3178806, MONDO:0008832, OMIM 208530, HP:0011536.

Submissions (2):

Baylor Genetics
Classification: Likely pathogenic for Right atrial isomerism. Last evaluated: 2022-10-06. Review status: criteria provided, single submitter. Criteria: ACMG Guidelines, 2015. Collection method: clinical testing. Allele origin: unknown.

GeneDx
Classification: Likely pathogenic. Last evaluated: 2017-02-13. Review status: criteria provided, single submitter. Criteria: GeneDx Variant Classification (06012015). Collection method: clinical testing. Allele origin: germline. Affected: yes.
Comment: Although the c.776_801del26 likely pathogenic variant in the GDF1 gene has not been reported to our knowledge, this variant causes a shift in reading frame starting at codon Leucine259, changing it to a Serine, and creating a premature stop codon at position 84 of the new reading frame, denoted p.Leu259SerfsX84. This likely pathogenic variant causes loss of the last 116 amino acid residues of the protein and is therefore expected to result in an abnormal, truncated protein product. Other frameshift and nonsense variants in the GDF1 gene have been reported in Human Gene Mutation Database in association with disease (Stenson et al., 2014), indicating that loss of function is a mechanism of disease for this gene. Furthermore, the c.776_801del26 variant has not been observed in large population cohorts (Lek et al., 2016; 1000 Genomes Consortium et al., 2015; Exome Variant Server).